The following is an entry in ClinVar:

ClinVar aggregate classification (germline): Pathogenic (1 of 4 stars; one submission).

Conditions:
Glycine encephalopathy. Also called: Nonketotic hyperglycinemia; Non-ketotic hyperglycinemia. Identifiers: Orphanet 407, MedGen C0751748, MONDO:0011612, HP:0008288.

Submission:

Labcorp Genetics (formerly Invitae), Labcorp
Classification: Pathogenic for Glycine encephalopathy. Last evaluated: 2022-07-06. Review status: criteria provided, single submitter. Criteria: Invitae Variant Classification Sherloc (09022015). Collection method: clinical testing. Allele origin: germline.
Comment: This sequence change creates a premature translational stop signal (p.Gln311*) in the AMT gene. It is expected to result in an absent or disrupted protein product. Loss-of-function variants in AMT are known to be pathogenic (PMID: 16450403). This variant is not present in population databases (gnomAD no frequency). This variant has not been reported in the literature in individuals affected with AMT-related conditions. For these reasons, this variant has been classified as Pathogenic.

Literature cited by the submitters: PubMed 16450403.

NM_000481.4(AMT):c.931C>T (p.Gln311Ter)

Gene: AMT (aminomethyltransferase; minus strand). Cytogenetic location: 3p21.31.
Variant type: single nucleotide variant.
Coding change: c.931C>T on transcript NM_000481.4 (MANE Select); coding-DNA position 931, C replaced by T.
Protein change: p.Gln311Ter; replaces glutamine 311 with a stop codon.
Molecular consequence: nonsense. On other transcripts: non-coding transcript variant (1).
Genome position (GRCh38, 1-based): chr3:49,417,920, G>A on the plus strand (C>T on the coding strand, the complement: AMT is on the minus strand). VCF-style: chr3-49417920-G-A. GRCh37 (hg19) VCF-style: chr3-49455353-G-A.
Other names: c.799C>T, p.Gln267Ter (NM_001164710.2); c.763C>T, p.Gln255Ter (NM_001164711.2); c.931C>T, p.Gln311Ter (NM_001164712.2); short protein forms Q255*, Q267*, Q311*.
Identifiers: ClinVar variation 2014596 (VCV002014596.4), dbSNP rs2471146370, ClinGen allele CA352789534.